The following is an entry in ClinVar:

NM_024529.5(CDC73):c.*3524A>G

Gene: CDC73 (cell division cycle 73; plus strand). Cytogenetic location: 1q31.2.
Variant type: single nucleotide variant.
Coding change: c.*3524A>G on transcript NM_024529.5 (MANE Select); 3524 bases downstream of the stop codon, A replaced by G.
Molecular consequence: 3 prime UTR variant.
Genome position (GRCh38, 1-based): chr1:193,254,236, A>G. VCF-style: chr1-193254236-A-G. GRCh37 (hg19) VCF-style: chr1-193223366-A-G.
Identifiers: ClinVar variation 294464 (VCV000294464.5), dbSNP rs548190260, ClinGen allele CA10609163.

ClinVar aggregate classification (germline): Benign/Likely benign. Review status: criteria provided, single submitter (1 of 4 stars). 3 submissions from 1 submitter: Benign (2); Likely benign (1). Last evaluated 2018-01-13.

Conditions:
Hyperparathyroidism 1 (HRPT1). Also called: HYPERPARATHYROIDISM, FAMILIAL ISOLATED PRIMARY. Identifiers: Orphanet 99879, MedGen C1840402, MONDO:0007767, OMIM 145000.
Parathyroid carcinoma (PRTC). Also called: Parathyroid gland carcinoma; CDC73-Related Parathyroid Carcinoma. Identifiers: Orphanet 143, MedGen C0687150, MONDO:0012004, OMIM 608266, HP:0006780.
Hyperparathyroidism 2 with jaw tumors. Also called: Hyperparathyroidism 2; HYPERPARATHYROIDISM, FAMILIAL PRIMARY, WITH MULTIPLE OSSIFYING JAW FIBROMAS; HYPERPARATHYROIDISM-JAW TUMOR SYNDROME, HEREDITARY; Hyperparathyroidism-Jaw Tumor Syndrome. Identifiers: Orphanet 99880, MedGen C1704981, MONDO:0007768, OMIM 145001.

Allele frequency attached by ClinVar (database versions not stated): 1000 Genomes Project 0.00060; 1000 Genomes Project 30x 0.00062; gnomAD 0.00069 and 0.00071; TOPMed 0.00088.
gnomAD v4.1: 105 of 152,162 alleles (0.069%); highest among the groups gnomAD compares: Admixed American, 0.26%; no homozygotes.

Submissions (3):

Illumina Laboratory Services, Illumina
Classification: Benign for Hyperparathyroidism 2 with jaw tumors. Last evaluated: 2018-01-13. Review status: criteria provided, single submitter. Criteria: ICSL Variant Classification Criteria 13 December 2019. Collection method: clinical testing. Allele origin: germline.
Comment: This variant was observed in the ICSL laboratory as part of a predisposition screen in an ostensibly healthy population. It had not been previously curated by ICSL or reported in the Human Gene Mutation Database (HGMD: prior to June 1st, 2018), and was therefore a candidate for classification through an automated scoring system. Utilizing variant allele frequency, disease prevalence and penetrance estimates, and inheritance mode, an automated score was calculated to assess if this variant is too frequent to cause the disease. Based on the score and internal cut-off values, a variant classified as benign is not then subjected to further curation. The score for this variant resulted in a classification of benign for this disease.

Illumina Laboratory Services, Illumina
Classification: Likely benign for Hyperparathyroidism 1. Last evaluated: 2018-01-13. Review status: criteria provided, single submitter. Criteria: ICSL Variant Classification Criteria 13 December 2019. Collection method: clinical testing. Allele origin: germline.
Comment: This variant was observed in the ICSL laboratory as part of a predisposition screen in an ostensibly healthy population. It had not been previously curated by ICSL or reported in the Human Gene Mutation Database (HGMD: prior to June 1st, 2018), and was therefore a candidate for classification through an automated scoring system. Utilizing variant allele frequency, disease prevalence and penetrance estimates, and inheritance mode, an automated score was calculated to assess if this variant is too frequent to cause the disease. Based on the score and internal cut-off values, a variant classified as likely benign is not then subjected to further curation. The score for this variant resulted in a classification of likely benign for this disease.

Illumina Laboratory Services, Illumina
Classification: Benign for Parathyroid carcinoma. Last evaluated: 2018-01-13. Review status: criteria provided, single submitter. Criteria: ICSL Variant Classification Criteria 13 December 2019. Collection method: clinical testing. Allele origin: germline.
Comment: the same text as in the submission from Illumina Laboratory Services, Illumina above.